The following is an entry in ClinVar:

NM_178452.6(DNAAF1):c.1300G>A (p.Gly434Arg)

Gene: DNAAF1 (dynein axonemal assembly factor 1; plus strand). Cytogenetic location: 16q24.1.
Variant type: single nucleotide variant.
Coding change: c.1300G>A on transcript NM_178452.6 (MANE Select); coding-DNA position 1300, G replaced by A.
Protein change: p.Gly434Arg; replaces glycine 434 with arginine.
Molecular consequence: missense variant.
Genome position (GRCh38, 1-based): chr16:84,170,128, G>A. VCF-style: chr16-84170128-G-A. GRCh37 (hg19) VCF-style: chr16-84203734-G-A.
Other names: c.592G>A, p.Gly198Arg (NM_001318756.1); short protein forms G434R, G198R.
Identifiers: ClinVar variation 416067 (VCV000416067.34), dbSNP rs117114021, ClinGen allele CA8202820.

ClinVar aggregate classification (germline): Conflicting classifications of pathogenicity. Review status: criteria provided, conflicting classifications (1 of 4 stars). 6 submissions from 6 submitters: Uncertain significance (1); Benign (2); Likely benign (3). Last evaluated 2026-01-11.

Conditions:
Primary ciliary dyskinesia 13. Also called: CILIARY DYSKINESIA, PRIMARY, 13, WITH OR WITHOUT SITUS INVERSUS. Identifiers: Orphanet 244, MedGen C2750790, MONDO:0013174, OMIM 613193.
Primary ciliary dyskinesia. Also called: Ciliary dyskinesia. Identifiers: Orphanet 244, MedGen C0008780, MONDO:0016575, HP:0012265.

Allele frequency attached by ClinVar (database versions not stated): ESP Exome Variant Server 0.00038; gnomAD 0.00054 and 0.00066; TOPMed 0.00080; gnomAD exomes 0.00129; ExAC 0.00145; 1000 Genomes Project 30x 0.00281; 1000 Genomes Project 0.00319.
gnomAD v4.1: 836 of 1,583,090 alleles (0.053%); highest among the groups gnomAD compares: East Asian, 1.1%; 6 homozygotes.

Submissions (6):

Labcorp Genetics (formerly Invitae), Labcorp
Classification: Benign for Primary ciliary dyskinesia. Last evaluated: 2026-01-11. Review status: criteria provided, single submitter. Criteria: Invitae Variant Classification Sherloc (09022015). Collection method: clinical testing. Allele origin: germline.

Blueprint Genetics
Classification: Likely benign. Last evaluated: 2024-10-03. Review status: criteria provided, single submitter. Criteria: ACMG Guidelines, 2015. Collection method: clinical testing. Allele origin: germline.

CeGaT Center for Human Genetics Tuebingen
Classification: Likely benign. Last evaluated: 2024-10-01. Review status: criteria provided, single submitter. Criteria: CeGaT Center For Human Genetics Tuebingen Variant Classification Criteria Version 2. Collection method: clinical testing. Allele origin: germline. Affected: yes. Observed: 1 variant allele.
Comment: DNAAF1: BP4, BS1

Ambry Genetics
Classification: Benign for Primary ciliary dyskinesia. Last evaluated: 2020-12-15. Review status: criteria provided, single submitter. Criteria: Ambry Variant Classification Scheme 2023. Collection method: clinical testing. Allele origin: germline.

GeneDx
Classification: Likely benign. Last evaluated: 2019-07-21. Review status: criteria provided, single submitter. Criteria: GeneDx Variant Classification Process June 2021. Collection method: clinical testing. Allele origin: germline. Affected: yes.
Comment: See Variant Classification Assertion Criteria.

Illumina Laboratory Services, Illumina
Classification: Uncertain significance for Primary ciliary dyskinesia 13. Last evaluated: 2018-01-15. Review status: criteria provided, single submitter. Criteria: ICSL Variant Classification Criteria 13 December 2019. Collection method: clinical testing. Allele origin: germline.